The following is an entry in ClinVar:

ClinVar aggregate classification (germline): Uncertain significance. Review status: criteria provided, multiple submitters, no conflicts (2 of 4 stars). 2 submissions from 2 submitters: Uncertain significance (2). Last evaluated 2025-12-10.

Conditions:
Breast-ovarian cancer, familial, susceptibility to, 1 (BROVCA1). Also called: OVARIAN CANCER, SUSCEPTIBILITY TO; BRCA1 Hereditary Breast and Ovarian Cancer. Identifiers: Orphanet 145, MedGen C2676676, MONDO:0011450, OMIM 604370. Disease mechanism: loss of function.
Hereditary breast ovarian cancer syndrome. Also called: Breast and ovarian cancer; Hereditary breast and/or ovarian cancer syndrome; Hereditary breast and ovarian cancer syndrome; BRCA1- and BRCA2-Associated Hereditary Breast and Ovarian Cancer; Hereditary breast and ovarian cancer; Hereditary breast and ovarian cancer syndrome (HBOC). Identifiers: Orphanet 145, MedGen C0677776, MeSH D061325, MONDO:0003582. Disease mechanism: loss of function.

Submissions (2):

Dasa
Classification: Uncertain significance for Breast-ovarian cancer, familial, susceptibility to, 1. Last evaluated: 2025-12-10. Review status: criteria provided, single submitter. Criteria: DASA Assertion Criteria. Collection method: clinical testing. Allele origin: germline.
Comment: NM_007294.4(BRCA1):c.5586C>G (p.His1862Gln) is a missense variant that results in the substitution of histidine with glutamine. This variant is rare in population databases. The currently available literature and clinical evidence are not sufficient to establish a definitive association between this variant and the reported condition. Therefore, this variant is classified as a variant of uncertain significance.

Labcorp Genetics (formerly Invitae), Labcorp
Classification: Uncertain significance for Hereditary breast ovarian cancer syndrome. Last evaluated: 2024-04-22. Review status: criteria provided, single submitter. Criteria: Invitae Variant Classification Sherloc (09022015). Collection method: clinical testing. Allele origin: germline.
Comment: This sequence change replaces histidine, which is basic and polar, with glutamine, which is neutral and polar, at codon 1862 of the BRCA1 protein (p.His1862Gln). This variant is not present in population databases (gnomAD no frequency). This variant has not been reported in the literature in individuals affected with BRCA1-related conditions. ClinVar contains an entry for this variant (Variation ID: 1522936). Advanced modeling of protein sequence and biophysical properties (such as structural, functional, and spatial information, amino acid conservation, physicochemical variation, residue mobility, and thermodynamic stability) performed at Invitae indicates that this missense variant is not expected to disrupt BRCA1 protein function with a negative predictive value of 95%. In summary, the available evidence is currently insufficient to determine the role of this variant in disease. Therefore, it has been classified as a Variant of Uncertain Significance.

NM_007294.4(BRCA1):c.5586C>G (p.His1862Gln)

Gene: BRCA1 (BRCA1 DNA repair associated; minus strand). Cytogenetic location: 17q21.31.
Variant type: single nucleotide variant.
Coding change: c.5586C>G on transcript NM_007294.4 (MANE Select); coding-DNA position 5586, C replaced by G.
Protein change: p.His1862Gln; replaces histidine 1862 with glutamine.
Molecular consequence: missense variant. On other transcripts: 3 prime UTR variant (1), non-coding transcript variant (1).
Genome position (GRCh38, 1-based): chr17:43,045,684, G>C on the plus strand (C>G on the coding strand, the complement: BRCA1 is on the minus strand). VCF-style: chr17-43045684-G-C. GRCh37 (hg19) VCF-style: chr17-41197701-G-C.
Other names: c.5580C>G, p.His1860Gln (NM_001407630.1, NM_001407631.1, NM_001407632.1 and 13 more transcripts); c.5586C>G, p.His1862Gln (NM_001407596.1, NM_001407597.1, NM_001407598.1 and 5 more transcripts); c.5577C>G, p.His1859Gln (NM_001407644.1, NM_001407645.1); c.5442C>G, p.His1814Gln (NM_001407737.1, NM_001407747.1, NM_001407748.1 and 18 more transcripts); c.5583C>G, p.His1861Gln (NM_001407610.1, NM_001407611.1, NM_001407612.1 and 14 more transcripts); c.5574C>G, p.His1858Gln (NM_001407646.1); c.5571C>G, p.His1857Gln (NM_001407647.1); c.5529C>G, p.His1843Gln (NM_001407648.1); and 74 more; short protein forms H758Q, H1862Q, H1883Q, H1815Q, H1708Q, H1751Q, H1774Q, H1792Q.
Identifiers: ClinVar variation 1522936 (VCV001522936.11), dbSNP rs774127304, ClinGen allele CA10590152.